The following is an entry in ClinVar:

ClinVar aggregate classification (germline): Uncertain significance (1 of 4 stars; one submission).

Submission:

Labcorp Genetics (formerly Invitae), Labcorp
Classification: Uncertain significance. Last evaluated: 2025-05-19. Review status: criteria provided, single submitter. Criteria: Invitae Variant Classification Sherloc (09022015). Collection method: clinical testing. Allele origin: germline.
Comment: This sequence change replaces serine, which is neutral and polar, with glycine, which is neutral and non-polar, at codon 404 of the PKDCC protein (p.Ser404Gly). This variant is not present in population databases (gnomAD no frequency). This variant has not been reported in the literature in individuals affected with PKDCC-related conditions. ClinVar contains an entry for this variant (Variation ID: 2093673). An algorithm developed to predict the effect of missense changes on protein structure and function outputs the following: PolyPhen-2: "Benign". The glycine amino acid residue is found in multiple mammalian species, which suggests that this missense change does not adversely affect protein function. In summary, the available evidence is currently insufficient to determine the role of this variant in disease. Therefore, it has been classified as a Variant of Uncertain Significance.

NM_138370.3(PKDCC):c.1210A>G (p.Ser404Gly)

Gene: PKDCC (protein kinase domain containing, cytoplasmic; plus strand). Cytogenetic location: 2p21.
Variant type: single nucleotide variant.
Coding change: c.1210A>G on transcript NM_138370.3 (MANE Select); coding-DNA position 1210, A replaced by G.
Protein change: p.Ser404Gly; replaces serine 404 with glycine.
Molecular consequence: missense variant.
Genome position (GRCh38, 1-based): chr2:42,055,381, A>G. VCF-style: chr2-42055381-A-G. GRCh37 (hg19) VCF-style: chr2-42282521-A-G.
Other names: short protein forms S404G.
Identifiers: ClinVar variation 2093673 (VCV002093673.4), dbSNP rs2465378846, ClinGen allele CA346624787.